The following is an entry in ClinVar:

NM_004813.4(PEX16):c.*170G>A

Gene: PEX16 (peroxisomal biogenesis factor 16; minus strand). Cytogenetic location: 11p11.2.
Variant type: single nucleotide variant.
Coding change: c.*170G>A on transcript NM_004813.4 (MANE Select); 170 bases downstream of the stop codon, G replaced by A.
Molecular consequence: 3 prime UTR variant.
Genome position (GRCh38, 1-based): chr11:45,910,084, C>T on the plus strand (G>A on the coding strand, the complement: PEX16 is on the minus strand). VCF-style: chr11-45910084-C-T. GRCh37 (hg19) VCF-style: chr11-45931635-C-T.
Other names: c.*5G>A (NM_057174.3).
Identifiers: ClinVar variation 3032880 (VCV003032880.2), dbSNP rs761362089, ClinGen allele CA5959672.

ClinVar aggregate classification (germline): Likely benign (0 of 4 stars; one submission).

Conditions:
PEX16-related disorder. Also called: PEX16-related condition.

Allele frequency attached by ClinVar (database versions not stated): ExAC 0.00001; gnomAD 0.00001; gnomAD exomes 0.00001; TOPMed 0.00001.

Submission:

PreventionGenetics, part of Exact Sciences
Classification: Likely benign for PEX16-related condition. Last evaluated: 2024-02-20. Review status: no assertion criteria provided. Collection method: clinical testing. Allele origin: germline.
Comment: This variant is classified as likely benign based on ACMG/AMP sequence variant interpretation guidelines (Richards et al. 2015 PMID: 25741868, with internal and published modifications).